The following is an entry in ClinVar:

NM_002206.3(ITGA7):c.467C>T (p.Thr156Met)

Gene: ITGA7 (integrin subunit alpha 7; minus strand). Cytogenetic location: 12q13.2.
Variant type: single nucleotide variant.
Coding change: c.467C>T on transcript NM_002206.3 (MANE Select); coding-DNA position 467, C replaced by T.
Protein change: p.Thr156Met; replaces threonine 156 with methionine.
Molecular consequence: missense variant. On other transcripts: 5 prime UTR variant (1).
Genome position (GRCh38, 1-based): chr12:55,701,102, G>A on the plus strand (C>T on the coding strand, the complement: ITGA7 is on the minus strand). VCF-style: chr12-55701102-G-A. GRCh37 (hg19) VCF-style: chr12-56094886-G-A.
Other names: c.467C>T, p.Thr156Met (NM_001144996.2, NM_001374465.1, NM_001410977.1 and 5 more transcripts); c.176C>T, p.Thr59Met (NM_001144997.2); c.128C>T, p.Thr43Met (NM_001367993.1, NM_001414035.1); c.-706C>T (NM_001367994.1); short protein forms T43M, T59M, T156M.
Identifiers: ClinVar variation 954290 (VCV000954290.7), dbSNP rs375671999, ClinGen allele CA6616301.
Genomic context (GRCh38, chr12:55,701,102, plus strand): 5'-AACTCATCCCGGATGGCCAGGTCCTGGCTGAGCACAAAGCAGCGACCAATCATATCCCGC[G>A]TCTCCAGGATCTGGTCCACTCGCTGCCTTGCCTCATATCGGTGTGCACAGGTCTGGGGGA-3'
Protein context (NP_002197.2, residues 146-166): ARQRVDQILE[Thr156Met]RDMIGRCFVL

ClinVar aggregate classification (germline): Uncertain significance (1 of 4 stars; one submission).

Conditions:
Congenital muscular dystrophy due to integrin alpha-7 deficiency. Also called: MYOPATHY, CONGENITAL, DUE TO INTEGRIN ALPHA-7 DEFICIENCY; Congenital muscular dystrophy with integrin alpha-7 deficiency; Muscular dystrophy, congenital, due to ITGA7 deficiency. Identifiers: Orphanet 34520, MedGen C2750786, MONDO:0013177, OMIM 613204.

Allele frequency attached by ClinVar (database versions not stated): TOPMed 0.00002; ESP Exome Variant Server 0.00008; 1000 Genomes Project 30x 0.00016; 1000 Genomes Project 0.00020.
gnomAD v4.1: 64 of 1,614,188 alleles (0.004%); highest among the groups gnomAD compares: South Asian, 0.0077%; no homozygotes.

Submission:

Labcorp Genetics (formerly Invitae), Labcorp
Classification: Uncertain significance for Congenital muscular dystrophy due to integrin alpha-7 deficiency. Last evaluated: 2022-09-06. Review status: criteria provided, single submitter. Criteria: Invitae Variant Classification Sherloc (09022015). Collection method: clinical testing. Allele origin: germline.
Comment: This sequence change replaces threonine, which is neutral and polar, with methionine, which is neutral and non-polar, at codon 156 of the ITGA7 protein (p.Thr156Met). This variant is present in population databases (rs375671999, gnomAD 0.01%). This variant has not been reported in the literature in individuals affected with ITGA7-related conditions. ClinVar contains an entry for this variant (Variation ID: 954290). Algorithms developed to predict the effect of missense changes on protein structure and function are either unavailable or do not agree on the potential impact of this missense change (SIFT: "Deleterious"; PolyPhen-2: "Probably Damaging"; Align-GVGD: "Class C0"). In summary, the available evidence is currently insufficient to determine the role of this variant in disease. Therefore, it has been classified as a Variant of Uncertain Significance.